The following is an entry in ClinVar:

NM_021072.4(HCN1):c.1435G>A (p.Ala479Thr)

Gene: HCN1 (hyperpolarization activated cyclic nucleotide gated potassium channel 1; minus strand). Cytogenetic location: 5p12.
Variant type: single nucleotide variant.
Coding change: c.1435G>A on transcript NM_021072.4 (MANE Select); coding-DNA position 1435, G replaced by A.
Protein change: p.Ala479Thr; replaces alanine 479 with threonine.
Molecular consequence: missense variant.
Genome position (GRCh38, 1-based): chr5:45,303,782, C>T on the plus strand (G>A on the coding strand, the complement: HCN1 is on the minus strand). VCF-style: chr5-45303782-C-T. GRCh37 (hg19) VCF-style: chr5-45303884-C-T.
Other names: short protein forms A479T.
Identifiers: ClinVar variation 2770678 (VCV002770678.4), dbSNP rs2478271978, ClinGen allele CA359702729.

ClinVar aggregate classification (germline): Uncertain significance. Review status: criteria provided, multiple submitters, no conflicts (2 of 4 stars). 2 submissions from 2 submitters: Uncertain significance (2). Last evaluated 2024-01-09.

Conditions:
Early-infantile DEE. Also called: Early infantile epileptic encephalopathy with suppression bursts; Ohtahara syndrome; Early infantile epileptic encephalopathy. Identifiers: Orphanet 1934, MedGen C0393706, MONDO:0800491.

Allele frequency attached by ClinVar (database versions not stated): gnomAD exomes below 0.00001.
gnomAD v4.1: 2 of 1,613,626 alleles (0.00012%); highest among the groups gnomAD compares: Non-Finnish European, 0.00017%; no homozygotes.

Submissions (2):

Blueprint Genetics
Classification: Uncertain significance. Last evaluated: 2024-01-09. Review status: criteria provided, single submitter. Criteria: ACMG Guidelines, 2015. Collection method: clinical testing. Allele origin: germline.

Labcorp Genetics (formerly Invitae), Labcorp
Classification: Uncertain significance for Early-infantile DEE. Last evaluated: 2023-10-30. Review status: criteria provided, single submitter. Criteria: Invitae Variant Classification Sherloc (09022015). Collection method: clinical testing. Allele origin: germline.
Comment: This sequence change replaces alanine, which is neutral and non-polar, with threonine, which is neutral and polar, at codon 479 of the HCN1 protein (p.Ala479Thr). This variant is not present in population databases (gnomAD no frequency). This variant has not been reported in the literature in individuals affected with HCN1-related conditions. Advanced modeling of protein sequence and biophysical properties (such as structural, functional, and spatial information, amino acid conservation, physicochemical variation, residue mobility, and thermodynamic stability) has been performed at Invitae for this missense variant, however the output from this modeling did not meet the statistical confidence thresholds required to predict the impact of this variant on HCN1 protein function. In summary, the available evidence is currently insufficient to determine the role of this variant in disease. Therefore, it has been classified as a Variant of Uncertain Significance.